The following is an entry in ClinVar:

ClinVar aggregate classification (germline): Pathogenic/Likely pathogenic. Review status: criteria provided, multiple submitters, no conflicts (2 of 4 stars). 2 submissions from 2 submitters: Pathogenic (1); Likely pathogenic (1). Last evaluated 2025-03-25.

Conditions:
Cystic fibrosis (CF). Also called: MUCOVISCIDOSIS. Identifiers: Orphanet 586, MedGen C0010674, MONDO:0009061, OMIM 219700. Disease mechanism: loss of function.
CFTR-related disorder (CFTR-RD). Also called: CFTR-related condition; CFTR-related disorders. Identifiers: MedGen C5924204, MONDO:7770004.

Submissions (2):

Natera, Inc.
Classification: Likely pathogenic for CFTR-related disorders. Last evaluated: 2025-03-25. Review status: criteria provided, single submitter. Criteria: Natera Variant Classification Schema (03/2026). Collection method: clinical testing. Allele origin: germline.
Comment: The c.2301delG variant in CFTR is a frameshift variant predicted to shift the reading frame beginning at codon 767 and leads to a stop codon 4 codons downstream. This variant is expected to result in nonsense mediated decay, truncation, or a dysfunctional protein product. This variant is rare in the general population with a frequency below the threshold expected for the associated phenotype(s). Given the available evidence, this variant is classified as Likely Pathogenic.

Labcorp Genetics (formerly Invitae), Labcorp
Classification: Pathogenic for Cystic fibrosis. Last evaluated: 2021-11-05. Review status: criteria provided, single submitter. Criteria: Invitae Variant Classification Sherloc (09022015). Collection method: clinical testing. Allele origin: germline.
Comment: This sequence change creates a premature translational stop signal (p.Gln767Hisfs*4) in the CFTR gene. It is expected to result in an absent or disrupted protein product. Loss-of-function variants in CFTR are known to be pathogenic (PMID: 1695717, 7691345, 9725922). This variant is not present in population databases (gnomAD no frequency). This variant has not been reported in the literature in individuals affected with CFTR-related conditions. For these reasons, this variant has been classified as Pathogenic.

Literature cited by the submitters: PubMed 1695717 (cited by Labcorp Genetics (formerly Invitae), Labcorp); PubMed 7691345 (cited by Labcorp Genetics (formerly Invitae), Labcorp); PubMed 9725922 (cited by Labcorp Genetics (formerly Invitae), Labcorp).

NM_000492.4(CFTR):c.2301del (p.Gln767fs)

Gene: CFTR (CF transmembrane conductance regulator; plus strand). Cytogenetic location: 7q31.2.
Variant type: Deletion.
Coding change: c.2301del on transcript NM_000492.4 (MANE Select); coding-DNA position 2301, one base deleted (G; older notation c.2301delG).
Protein change: p.Gln767fs; shifts the reading frame from glutamine 767.
Molecular consequence: frameshift variant.
Genome position (GRCh38, 1-based): chr7:117,592,468, G deleted. VCF-style (leftmost placement, unchanged base first): chr7-117592467-AG-A. GRCh37 (hg19) VCF-style: chr7-117232521-AG-A.
Other names: c.2301delG (NM_000492.3); short protein forms Q767fs.
Identifiers: ClinVar variation 1457828 (VCV001457828.7), dbSNP rs2116032944, ClinGen allele CA2573141693.